The following is an entry in ClinVar:

ClinVar aggregate classification (germline): no classifications from unflagged records (0 of 4 stars; one submission).

Conditions:
Immunodeficiency 99 with hypogammaglobulinemia and autoimmune cytopenias (IMD99). Identifiers: MedGen C5676971, MONDO:0030798, OMIM 619846.

Allele frequency attached by ClinVar (database versions not stated): gnomAD exomes below 0.00001 and 0.00001; TOPMed below 0.00001; ExAC 0.00001; 1000 Genomes Project 30x 0.00031; gnomAD 0.00001; 1000 Genomes Project 0.00040.
gnomAD v4.1: 8 of 1,614,002 alleles (0.0005%); highest among the groups gnomAD compares: East Asian, 0.0089%; no homozygotes.

Submission:

OMIM
Classification: Pathogenic for IMMUNODEFICIENCY 99 WITH HYPOGAMMAGLOBULINEMIA AND AUTOIMMUNE CYTOPENIAS (1 patient). Last evaluated: 2022-04-27. Review status: flagged submission. Collection method: literature only. Allele origin: unknown.
ClinVar note: Notes: Flagging candidate with reason of insufficient supporting evidence. This gene has been classified as having a limited gene-disease relationship by a ClinGen Expert Panel.
ClinVar note: Reason: P/LP classification for a variant in a gene with insufficient evidence for a gene-disease relationship

Literature cited by the submitters: PubMed 32484799.

NM_030877.5(CTNNBL1):c.1396A>G (p.Met466Val)

Gene: CTNNBL1 (catenin beta like 1; plus strand). Cytogenetic location: 20q11.23.
Variant type: single nucleotide variant.
Coding change: c.1396A>G on transcript NM_030877.5 (MANE Select); coding-DNA position 1396, A replaced by G.
Protein change: p.Met466Val; replaces methionine 466 with valine.
Molecular consequence: missense variant.
Genome position (GRCh38, 1-based): chr20:37,859,902, A>G. VCF-style: chr20-37859902-A-G. GRCh37 (hg19) VCF-style: chr20-36488304-A-G.
Other names: c.1315A>G, p.Met439Val (NM_001281495.2); short protein forms M466V, M439V.
Identifiers: ClinVar variation 1686824 (VCV001686824.1), dbSNP rs201986512, ClinGen allele CA9848670.